The following is an entry in ClinVar:

ClinVar aggregate classification (germline): Conflicting classifications of pathogenicity. Review status: criteria provided, conflicting classifications (1 of 4 stars). 4 submissions from 4 submitters: Uncertain significance (1); Likely benign (2). 1 of the submissions does not count toward it. Last evaluated 2025-12-15.

Conditions:
KIAA1549-related disorder. Also called: KIAA1549-related condition.
Inborn genetic diseases. Identifiers: MedGen C0950123, MeSH D030342.

Allele frequency attached by ClinVar (database versions not stated): 1000 Genomes Project 30x 0.00109; gnomAD 0.00117 and 0.00128; gnomAD exomes 0.00012 and 0.00028; ExAC 0.00037; 1000 Genomes Project 0.00100; ESP Exome Variant Server 0.00119; TOPMed 0.00153.
gnomAD v4.1: 368 of 1,614,046 alleles (0.023%); highest among the groups gnomAD compares: African/African-American, 0.42%; 1 homozygote.

Submissions (4):

Labcorp Genetics (formerly Invitae), Labcorp
Classification: Likely benign. Last evaluated: 2025-12-15. Review status: criteria provided, single submitter. Criteria: Invitae Variant Classification Sherloc (09022015). Collection method: clinical testing. Allele origin: germline.

Ambry Genetics
Classification: Uncertain significance for Inborn genetic diseases. Last evaluated: 2024-10-17. Review status: criteria provided, single submitter. Criteria: Ambry Variant Classification Scheme 2023. Collection method: clinical testing. Allele origin: germline.

Blueprint Genetics
Classification: Likely benign. Last evaluated: 2024-09-11. Review status: criteria provided, single submitter. Criteria: ACMG Guidelines, 2015. Collection method: clinical testing. Allele origin: germline.

PreventionGenetics, part of Exact Sciences
Classification: Likely benign for KIAA1549-related condition. Last evaluated: 2024-09-17. Review status: no assertion criteria provided. Collection method: clinical testing. Allele origin: germline. Not counted in ClinVar's aggregate classification.
Comment: This variant is classified as likely benign based on ACMG/AMP sequence variant interpretation guidelines (Richards et al. 2015 PMID: 25741868, with internal and published modifications).

NM_001164665.2(KIAA1549):c.1136C>G (p.Ser379Cys)

Gene: KIAA1549 (KIAA1549; minus strand). Cytogenetic location: 7q34.
Variant type: single nucleotide variant.
Coding change: c.1136C>G on transcript NM_001164665.2 (MANE Select); coding-DNA position 1136, C replaced by G.
Protein change: p.Ser379Cys; replaces serine 379 with cysteine.
Molecular consequence: missense variant.
Genome position (GRCh38, 1-based): chr7:138,918,490, G>C on the plus strand (C>G on the coding strand, the complement: KIAA1549 is on the minus strand). VCF-style: chr7-138918490-G-C. GRCh37 (hg19) VCF-style: chr7-138603236-G-C.
Other names: c.1136C>G, p.Ser379Cys (NM_020910.3); short protein forms S379C.
Identifiers: ClinVar variation 740347 (VCV000740347.15), dbSNP rs149876667, ClinGen allele CA4506793.